The following is an entry in ClinVar:

NM_001256545.2(MEGF10):c.1638C>G (p.His546Gln)

Gene: MEGF10 (multiple EGF like domains 10; plus strand). Cytogenetic location: 5q23.2.
Variant type: single nucleotide variant.
Coding change: c.1638C>G on transcript NM_001256545.2 (MANE Select); coding-DNA position 1638, C replaced by G.
Protein change: p.His546Gln; replaces histidine 546 with glutamine.
Molecular consequence: missense variant.
Genome position (GRCh38, 1-based): chr5:127,422,717, C>G. VCF-style: chr5-127422717-C-G. GRCh37 (hg19) VCF-style: chr5-126758409-C-G.
Other names: c.1638C>G, p.His546Gln (NM_001308119.2, NM_001308121.2, NM_032446.3); short protein forms H546Q.
Identifiers: ClinVar variation 3572707 (VCV003572707.1).

ClinVar aggregate classification (germline): Uncertain significance (1 of 4 stars; one submission).

gnomAD v4.1: 8 of 1,614,032 alleles (0.0005%); highest among the groups gnomAD compares: South Asian, 0.0077%; no homozygotes.

Submission:

GeneDx
Classification: Uncertain significance. Last evaluated: 2024-07-11. Review status: criteria provided, single submitter. Criteria: GeneDx Variant Classification Process June 2021. Collection method: clinical testing. Allele origin: germline. Affected: yes.
Comment: Not observed at significant frequency in large population cohorts (gnomAD); In silico analysis supports that this missense variant has a deleterious effect on protein structure/function; Has not been previously published as pathogenic or benign to our knowledge